The following is an entry in ClinVar:

ClinVar aggregate classification (germline): Uncertain significance (1 of 4 stars; one submission).

Conditions:
Growth hormone insensitivity with immune dysregulation 1, autosomal recessive. Also called: Laron syndrome with immunodeficiency; GROWTH HORMONE INSENSITIVITY SYNDROME WITH IMMUNE DYSREGULATION 1, AUTOSOMAL RECESSIVE; GROWTH HORMONE INSENSITIVITY DUE TO POSTRECEPTOR DEFECT; LARON SYNDROME DUE TO POSTRECEPTOR DEFECT. Identifiers: Orphanet 220465, MedGen C5435698, MONDO:0100211, OMIM 245590.

Submission:

Labcorp Genetics (formerly Invitae), Labcorp
Classification: Uncertain significance for Growth hormone insensitivity with immune dysregulation 1, autosomal recessive. Last evaluated: 2025-04-02. Review status: criteria provided, single submitter. Criteria: Invitae Variant Classification Sherloc (09022015). Collection method: clinical testing. Allele origin: germline.
Comment: This sequence change replaces serine, which is neutral and polar, with valine, which is neutral and non-polar, at codon 434 of the STAT5B protein (p.Ser434Val). The frequency data for this variant in the population databases is considered unreliable, as metrics indicate poor data quality at this position in the gnomAD database. This variant has not been reported in the literature in individuals affected with STAT5B-related conditions. An algorithm developed to predict the effect of missense changes on protein structure and function (PolyPhen-2) suggests that this variant is likely to be tolerated. In summary, the available evidence is currently insufficient to determine the role of this variant in disease. Therefore, it has been classified as a Variant of Uncertain Significance.

NM_012448.4(STAT5B):c.1300_1301delinsGT (p.Ser434Val)

Gene: STAT5B (signal transducer and activator of transcription 5B; minus strand). Cytogenetic location: 17q21.2.
Variant type: Indel.
Coding change: c.1300_1301delinsGT on transcript NM_012448.4 (MANE Select); coding-DNA positions 1300 to 1301, TC replaced by GT.
Protein change: p.Ser434Val; replaces serine 434 with valine.
Molecular consequence: missense variant.
Genome position (GRCh38, 1-based): chr17:42,217,239-42,217,240, GA replaced by AC on the plus strand (TC replaced by GT on the coding strand, the reverse complement: STAT5B is on the minus strand). VCF-style: chr17-42217239-GA-AC. GRCh37 (hg19) VCF-style: chr17-40369257-GA-AC.
Other names: short protein forms S434V.
Identifiers: ClinVar variation 4751685 (VCV004751685.1).